The following is an entry in ClinVar:

NM_024597.4(MAP7D3):c.872C>T (p.Pro291Leu)

Gene: MAP7D3 (MAP7 domain containing 3; minus strand). Cytogenetic location: Xq26.3.
Variant type: single nucleotide variant.
Coding change: c.872C>T on transcript NM_024597.4 (MANE Select); coding-DNA position 872, C replaced by T.
Protein change: p.Pro291Leu; replaces proline 291 with leucine.
Molecular consequence: missense variant.
Genome position (GRCh38, 1-based): chrX:136,232,085, G>A on the plus strand (C>T on the coding strand, the complement: MAP7D3 is on the minus strand). VCF-style: chrX-136232085-G-A. GRCh37 (hg19) VCF-style: chrX-135314244-G-A.
Other names: c.818C>T, p.Pro273Leu (NM_001173516.1); c.767C>T, p.Pro256Leu (NM_001173517.2); short protein forms P256L, P273L, P291L.
Identifiers: ClinVar variation 3034577 (VCV003034577.2), dbSNP rs182722117, ClinGen allele CA10525617.

ClinVar aggregate classification (germline): Likely benign (0 of 4 stars; one submission).

Conditions:
MAP7D3-related disorder. Also called: MAP7D3-related condition.

Allele frequency attached by ClinVar (database versions not stated): 1000 Genomes Project 30x 0.00021; 1000 Genomes Project 0.00026; TOPMed 0.00128; ESP Exome Variant Server 0.00133; gnomAD 0.00148; ExAC 0.00161.
gnomAD v4.1: 2,924 of 1,208,826 alleles (0.24%); highest among the groups gnomAD compares: Non-Finnish European, 0.29%; 7 homozygotes.

Submission:

PreventionGenetics, part of Exact Sciences
Classification: Likely benign for MAP7D3-related condition. Last evaluated: 2019-08-08. Review status: no assertion criteria provided. Collection method: clinical testing. Allele origin: germline.
Comment: This variant is classified as likely benign based on ACMG/AMP sequence variant interpretation guidelines (Richards et al. 2015 PMID: 25741868, with internal and published modifications).